The following is an entry in ClinVar:

NM_001128205.2(SULF1):c.189G>C (p.Met63Ile)

Gene: SULF1 (sulfatase 1; plus strand). Cytogenetic location: 8q13.2.
Variant type: single nucleotide variant.
Coding change: c.189G>C on transcript NM_001128205.2 (MANE Select); coding-DNA position 189, G replaced by C.
Protein change: p.Met63Ile; replaces methionine 63 with isoleucine.
Molecular consequence: missense variant. On other transcripts: non-coding transcript variant (2).
Genome position (GRCh38, 1-based): chr8:69,575,986, G>C. VCF-style: chr8-69575986-G-C. GRCh37 (hg19) VCF-style: chr8-70488221-G-C.
Other names: c.189G>C, p.Met63Ile (NM_001128204.2, NM_001128206.2, NM_001412828.1 and 19 more transcripts); c.3G>C, p.Met1Ile (NM_001412841.1, NM_001412842.1); c.-338G>C (NM_001412844.1, NM_001412845.1); c.-1513G>C (NM_001412846.1); short protein forms M1I, M63I.
Identifiers: ClinVar variation 2121439 (VCV002121439.4), dbSNP rs1273788067, ClinGen allele CA371223954.

ClinVar aggregate classification (germline): Uncertain significance (1 of 4 stars; one submission).

gnomAD v4.1: 1 of 1,613,878 alleles (0.000062%); highest among the groups gnomAD compares: Non-Finnish European, 0.000085%; no homozygotes.

Submission:

Labcorp Genetics (formerly Invitae), Labcorp
Classification: Uncertain significance. Last evaluated: 2021-12-03. Review status: criteria provided, single submitter. Criteria: Invitae Variant Classification Sherloc (09022015). Collection method: clinical testing. Allele origin: germline.
Comment: This sequence change replaces methionine, which is neutral and non-polar, with isoleucine, which is neutral and non-polar, at codon 63 of the SULF1 protein (p.Met63Ile). This variant is not present in population databases (gnomAD no frequency). This variant has not been reported in the literature in individuals affected with SULF1-related conditions. Algorithms developed to predict the effect of missense changes on protein structure and function are either unavailable or do not agree on the potential impact of this missense change (SIFT: "Deleterious"; PolyPhen-2: "Possibly Damaging"; Align-GVGD: "Class C0"). In summary, the available evidence is currently insufficient to determine the role of this variant in disease. Therefore, it has been classified as a Variant of Uncertain Significance.